The following is an entry in ClinVar:

NM_021005.4(NR2F2):c.654G>T (p.Arg218Ser)

Gene: NR2F2 (nuclear receptor subfamily 2 group F member 2; plus strand). Cytogenetic location: 15q26.2.
Variant type: single nucleotide variant.
Coding change: c.654G>T on transcript NM_021005.4 (MANE Select); coding-DNA position 654, G replaced by T.
Protein change: p.Arg218Ser; replaces arginine 218 with serine.
Molecular consequence: missense variant.
Genome position (GRCh38, 1-based): chr15:96,334,287, G>T. VCF-style: chr15-96334287-G-T. GRCh37 (hg19) VCF-style: chr15-96877516-G-T.
Other names: c.255G>T, p.Arg85Ser (NM_001145155.2); c.195G>T, p.Arg65Ser (NM_001145156.1, NM_001145157.2); short protein forms R85S, R218S, R65S.
Identifiers: ClinVar variation 4992942 (VCV004992942.1).

ClinVar aggregate classification (germline): Uncertain significance (1 of 4 stars; one submission).

Conditions:
NR2F2-related disorder. Also called: NR2F2-related condition.

Submission:

PreventionGenetics, part of Exact Sciences
Classification: Uncertain significance for NR2F2-related condition. Last evaluated: 2026-06-18. Review status: criteria provided, single submitter. Criteria: ACMG Guidelines, 2015. Collection method: clinical testing. Allele origin: germline.
Comment: The NR2F2 c.654G>T variant is predicted to result in the amino acid substitution p.Arg218Ser. To our knowledge, this variant has not been reported in the literature or in a large population database (gnomAD), indicating this variant is rare. At this time, the clinical significance of this variant is uncertain due to the absence of conclusive functional and genetic evidence.